The following is an entry in ClinVar:

NM_172107.4(KCNQ2):c.593G>C (p.Arg198Pro)

Gene: KCNQ2 (potassium voltage-gated channel subfamily Q member 2; minus strand). Cytogenetic location: 20q13.33.
Variant type: single nucleotide variant.
Coding change: c.593G>C on transcript NM_172107.4 (MANE Select); coding-DNA position 593, G replaced by C.
Protein change: p.Arg198Pro; replaces arginine 198 with proline.
Molecular consequence: missense variant.
Genome position (GRCh38, 1-based): chr20:63,444,756, C>G on the plus strand (G>C on the coding strand, the complement: KCNQ2 is on the minus strand). VCF-style: chr20-63444756-C-G. GRCh37 (hg19) VCF-style: chr20-62076109-C-G.
Other names: c.593G>C, p.Arg198Pro (NM_001382235.1, NM_004518.6, NM_172106.3 and 2 more transcripts); short protein forms R198P.
Identifiers: ClinVar variation 1066808 (VCV001066808.12), dbSNP rs796052621, ClinGen allele CA409654818.
Genomic context (GRCh38, chr20:63,444,756, plus strand): 5'-CAGGTGCCTCCCCGCCGGTCCATGCGGATCATCCGCAGAATCTGCAGGAAGCGCAGGCTC[C>G]GGAGCGCAGATGTGGCAAAGACGTTGCCCTGGGAGCCGGCGGCCAGCACCGCAATGGAGG-3'
Protein context (NP_742105.1, residues 188-208): QGNVFATSAL[Arg198Pro]SLRFLQILRM

ClinVar aggregate classification (germline): Likely pathogenic. Review status: criteria provided, multiple submitters, no conflicts (2 of 4 stars). 2 submissions from 2 submitters: Likely pathogenic (2). Last evaluated 2023-03-07.

Conditions:
Early-infantile DEE. Also called: Ohtahara syndrome; Early infantile epileptic encephalopathy with suppression bursts; Early infantile epileptic encephalopathy. Identifiers: Orphanet 1934, MedGen C0393706, MONDO:0800491.

Submissions (2):

Revvity Omics, Revvity
Classification: Likely pathogenic. Last evaluated: 2023-03-07. Review status: criteria provided, single submitter. Criteria: ACMG Guidelines, 2015. Collection method: clinical testing. Allele origin: germline.

Labcorp Genetics (formerly Invitae), Labcorp
Classification: Likely pathogenic for Early-infantile DEE. Last evaluated: 2020-09-20. Review status: criteria provided, single submitter. Criteria: Invitae Variant Classification Sherloc (09022015). Collection method: clinical testing. Allele origin: germline.
Comment: In summary, the currently available evidence indicates that the variant is pathogenic, but additional data are needed to prove that conclusively. Therefore, this variant has been classified as Likely Pathogenic. This variant disrupts the p.Arg198 amino acid residue in KCNQ2. Other variant(s) that disrupt this residue have been determined to be pathogenic (PMID: 27861786, 29390993). This suggests that this residue is clinically significant, and that variants that disrupt this residue are likely to be disease-causing. Advanced modeling of protein sequence and biophysical properties (such as structural, functional, and spatial information, amino acid conservation, physicochemical variation, residue mobility, and thermodynamic stability) performed at Invitae indicates that this missense variant is expected to disrupt KCNQ2 protein function. This variant has been observed in individual(s) with clinical features of early infantile epileptic encephalopathy (Invitae). This variant is not present in population databases (ExAC no frequency). This sequence change replaces arginine with proline at codon 198 of the KCNQ2 protein (p.Arg198Pro). The arginine residue is highly conserved and there is a moderate physicochemical difference between arginine and proline.

Literature cited by the submitters: PubMed 27861786 (cited by Labcorp Genetics (formerly Invitae), Labcorp); PubMed 29390993 (cited by Labcorp Genetics (formerly Invitae), Labcorp).